The following is an entry in ClinVar:

ClinVar aggregate classification (germline): Uncertain significance (1 of 4 stars; one submission).

gnomAD v4.1: 4 of 1,566,132 alleles (0.00026%); highest among the groups gnomAD compares: Non-Finnish European, 0.00035%; no homozygotes.

Submission:

Labcorp Genetics (formerly Invitae), Labcorp
Classification: Uncertain significance. Last evaluated: 2023-10-19. Review status: criteria provided, single submitter. Criteria: Invitae Variant Classification Sherloc (09022015). Collection method: clinical testing. Allele origin: germline.
Comment: This sequence change replaces proline, which is neutral and non-polar, with arginine, which is basic and polar, at codon 894 of the COL18A1 protein (p.Pro894Arg). This variant is present in population databases (no rsID available, gnomAD 0.001%). This variant has not been reported in the literature in individuals affected with COL18A1-related conditions. Algorithms developed to predict the effect of missense changes on protein structure and function output the following: SIFT: "Not Available"; PolyPhen-2: "Not Available"; Align-GVGD: "Not Available". The arginine amino acid residue is found in multiple mammalian species, which suggests that this missense change does not adversely affect protein function. In summary, the available evidence is currently insufficient to determine the role of this variant in disease. Therefore, it has been classified as a Variant of Uncertain Significance.

NM_001379500.1(COL18A1):c.2681C>G (p.Pro894Arg)

Gene: COL18A1 (collagen type XVIII alpha 1 chain; plus strand). Cytogenetic location: 21q22.3.
Variant type: single nucleotide variant.
Coding change: c.2681C>G on transcript NM_001379500.1 (MANE Select); coding-DNA position 2681, C replaced by G.
Protein change: p.Pro894Arg; replaces proline 894 with arginine.
Molecular consequence: missense variant.
Genome position (GRCh38, 1-based): chr21:45,497,659, C>G. VCF-style: chr21-45497659-C-G. GRCh37 (hg19) VCF-style: chr21-46917573-C-G.
Other names: c.3221C>G, p.Pro1074Arg (NM_030582.4); c.3926C>G, p.Pro1309Arg (NM_130444.3); short protein forms P894R, P1309R, P1074R.
Identifiers: ClinVar variation 2731239 (VCV002731239.2), dbSNP rs946508947, ClinGen allele CA321920041.